The following is an entry in ClinVar:

NM_000159.4(GCDH):c.756C>T (p.Gly252=)

Gene: GCDH (glutaryl-CoA dehydrogenase; plus strand). Cytogenetic location: 19p13.13.
Variant type: single nucleotide variant.
Coding change: c.756C>T on transcript NM_000159.4 (MANE Select); coding-DNA position 756, C replaced by T.
Protein change: p.Gly252=; no amino-acid change (glycine 252 retained).
Molecular consequence: synonymous variant. On other transcripts: non-coding transcript variant (2).
Genome position (GRCh38, 1-based): chr19:12,896,325, C>T. VCF-style: chr19-12896325-C-T. GRCh37 (hg19) VCF-style: chr19-13007139-C-T.
Other names: c.756C>T, p.Gly252= (NM_013976.5).
Identifiers: ClinVar variation 3777320 (VCV003777320.1).
Genomic context (GRCh38, chr19:12,896,325, plus strand): 5'-CATTCGGGGCTTCCTGCTGGAGAAGGGGATGCGGGGTCTCTCGGCCCCCAGGATCCAGGG[C>T]AAGTTCTCGCTGCGGGCCTCAGCCACAGGCATGATCATCATGGACGGTGTGGAGGTGCCA-3'
Protein context (NP_000150.1, residues 242-262): MRGLSAPRIQ[Gly252=]KFSLRASATG

ClinVar aggregate classification (germline): Uncertain significance (1 of 4 stars; one submission).

gnomAD v4.1: 3 of 1,614,148 alleles (0.00019%); highest among the groups gnomAD compares: Middle Eastern, 0.016%; no homozygotes.

Submission:

GeneDx
Classification: Uncertain significance. Last evaluated: 2024-10-10. Review status: criteria provided, single submitter. Criteria: GeneDx Variant Classification Process June 2021. Collection method: clinical testing. Allele origin: germline. Affected: yes.
Comment: Not observed at significant frequency in large population cohorts (gnomAD); In silico analysis supports a deleterious effect on splicing; Has not been previously published as pathogenic or benign to our knowledge